The following is an entry in ClinVar:

NM_000283.4(PDE6B):c.2039A>G (p.Gln680Arg)

Gene: PDE6B (phosphodiesterase 6B; plus strand). Cytogenetic location: 4p16.3.
Variant type: single nucleotide variant.
Coding change: c.2039A>G on transcript NM_000283.4 (MANE Select); coding-DNA position 2039, A replaced by G.
Protein change: p.Gln680Arg; replaces glutamine 680 with arginine.
Molecular consequence: missense variant.
Genome position (GRCh38, 1-based): chr4:664,131, A>G. VCF-style: chr4-664131-A-G. GRCh37 (hg19) VCF-style: chr4-657920-A-G.
Other names: c.2039A>G, p.Gln680Arg (NM_001145291.2); c.1202A>G, p.Gln401Arg (NM_001145292.2, NM_001350154.3, NM_001379246.1 and 1 more transcripts); c.884A>G, p.Gln295Arg (NM_001350155.3); short protein forms Q680R, Q295R, Q401R.
Identifiers: ClinVar variation 938246 (VCV000938246.11), dbSNP rs1432322807, ClinGen allele CA355918800.

ClinVar aggregate classification (germline): Uncertain significance. Review status: criteria provided, multiple submitters, no conflicts (2 of 4 stars). 3 submissions from 3 submitters: Uncertain significance (3). Last evaluated 2024-06-11.

Conditions:
Congenital stationary night blindness autosomal dominant 2. Also called: NIGHT BLINDNESS, CONGENITAL STATIONARY, RAMBUSCH TYPE. Identifiers: Orphanet 215, MedGen C1876182, MONDO:0008099, OMIM 163500.
Retinitis pigmentosa 40 (RP40). Identifiers: Orphanet 791, MedGen C3151107, MONDO:0013429, OMIM 613801.

Allele frequency attached by ClinVar (database versions not stated): gnomAD exomes below 0.00001; TOPMed below 0.00001; gnomAD 0.00001.
gnomAD v4.1: 2 of 1,609,452 alleles (0.00012%); highest among the groups gnomAD compares: African/African-American, 0.0027%; no homozygotes.

Submissions (3):

Fulgent Genetics
Classification: Uncertain significance for Congenital stationary night blindness autosomal dominant 2; Retinitis pigmentosa 40. Last evaluated: 2024-06-11. Review status: criteria provided, single submitter. Criteria: ACMG Guidelines, 2015. Collection method: clinical testing. Allele origin: germline.

Labcorp Genetics (formerly Invitae), Labcorp
Classification: Uncertain significance. Last evaluated: 2022-03-03. Review status: criteria provided, single submitter. Criteria: Invitae Variant Classification Sherloc (09022015). Collection method: clinical testing. Allele origin: germline.
Comment: This variant is not present in population databases (gnomAD no frequency). In summary, the available evidence is currently insufficient to determine the role of this variant in disease. Therefore, it has been classified as a Variant of Uncertain Significance. Algorithms developed to predict the effect of missense changes on protein structure and function are either unavailable or do not agree on the potential impact of this missense change (SIFT: "Deleterious"; PolyPhen-2: "Probably Damaging"; Align-GVGD: "Class C0"). ClinVar contains an entry for this variant (Variation ID: 938246). This variant has not been reported in the literature in individuals affected with PDE6B-related conditions. This sequence change replaces glutamine, which is neutral and polar, with arginine, which is basic and polar, at codon 680 of the PDE6B protein (p.Gln680Arg).

Blueprint Genetics
Classification: Uncertain significance. Last evaluated: 2022-01-14. Review status: criteria provided, single submitter. Criteria: ACMG Guidelines, 2015. Collection method: clinical testing. Allele origin: germline.